The following is an entry in ClinVar:

ClinVar aggregate classification (germline): Uncertain significance (1 of 4 stars; one submission).

Conditions:
NRP2-related disorder. Also called: NRP2-related condition.

gnomAD v4.1: 3 of 1,614,048 alleles (0.00019%); highest among the groups gnomAD compares: African/African-American, 0.0013%; no homozygotes.

Submission:

PreventionGenetics, part of Exact Sciences
Classification: Uncertain significance for NRP2-related condition. Last evaluated: 2026-05-15. Review status: criteria provided, single submitter. Criteria: ACMG Guidelines, 2015. Collection method: clinical testing. Allele origin: germline.
Comment: The NRP2 c.1388G>A variant is predicted to result in the amino acid substitution p.Ser463Asn. To our knowledge, this variant has not been reported in the literature. This variant is reported in 0.0033% of alleles in individuals of South Asian descent in gnomAD. At this time, the clinical significance of this variant is uncertain due to the absence of conclusive functional and genetic evidence.

NM_003872.3(NRP2):c.1388G>A (p.Ser463Asn)

Gene: NRP2 (neuropilin 2; plus strand). Cytogenetic location: 2q33.3.
Variant type: single nucleotide variant.
Coding change: c.1388G>A on transcript NM_003872.3 (MANE Select); coding-DNA position 1388, G replaced by A.
Protein change: p.Ser463Asn; replaces serine 463 with asparagine.
Molecular consequence: missense variant.
Genome position (GRCh38, 1-based): chr2:205,743,299, G>A. VCF-style: chr2-205743299-G-A. GRCh37 (hg19) VCF-style: chr2-206608023-G-A.
Other names: c.1388G>A, p.Ser463Asn (NM_018534.4, NM_201264.2, NM_201266.2 and 2 more transcripts); short protein forms S463N.
Identifiers: ClinVar variation 4995563 (VCV004995563.1).